The following is an entry in ClinVar:

ClinVar aggregate classification (germline): Pathogenic (1 of 4 stars; one submission).

Conditions:
Duchenne muscular dystrophy (DMD). Also called: Duchenne Muscular Dystrophy (DMD); MUSCULAR DYSTROPHY, PSEUDOHYPERTROPHIC PROGRESSIVE, DUCHENNE TYPE. Identifiers: Orphanet 98896, MedGen C0013264, MONDO:0010679, OMIM 310200.

Submission:

Labcorp Genetics (formerly Invitae), Labcorp
Classification: Pathogenic for Duchenne muscular dystrophy. Last evaluated: 2019-08-23. Review status: criteria provided, single submitter. Criteria: Invitae Variant Classification Sherloc (09022015). Collection method: clinical testing. Allele origin: germline.
Comment: This variant is an in-frame deletion of the genomic region encompassing exons 14-25 of the DMD gene. It preserves the integrity of the reading frame. This variant has been reported in an individual in the Leiden Open-source Variation Database (PMID: 21520333). Sub-genic deletion of exon 14 has been determined to be pathogenic (PMID: 23453023, 19040728). Therefore, deletions that fully encompass that region are also expected to be pathogenic. For these reasons, this variant has been classified as Pathogenic.

Literature cited by the submitters: PubMed 19040728; PubMed 23453023; PubMed 21520333.

NC_000023.11:g.(?_32461199)_(32573856_?)del

Gene: DMD (dystrophin; minus strand). Cytogenetic location: Xp21.1.
Variant type: Deletion.
Identifiers: ClinVar variation 832056 (VCV000832056.1).